The following is an entry in ClinVar:

ClinVar aggregate classification (germline): Uncertain significance (1 of 4 stars; one submission).

Submission:

Labcorp Genetics (formerly Invitae), Labcorp
Classification: Uncertain significance. Last evaluated: 2024-09-10. Review status: criteria provided, single submitter. Criteria: Invitae Variant Classification Sherloc (09022015). Collection method: clinical testing. Allele origin: germline.
Comment: This variant, c.1259_1270del, results in the deletion of 4 amino acid(s) of the PCLO protein (p.Pro420_Gln423del), but otherwise preserves the integrity of the reading frame. This variant is present in population databases (no rsID available, gnomAD 0.009%). This variant has not been reported in the literature in individuals affected with PCLO-related conditions. ClinVar contains an entry for this variant (Variation ID: 2191933). Experimental studies and prediction algorithms are not available or were not evaluated, and the functional significance of this variant is currently unknown. In summary, the available evidence is currently insufficient to determine the role of this variant in disease. Therefore, it has been classified as a Variant of Uncertain Significance.

NM_033026.6(PCLO):c.1259_1270del (p.Pro420_Gln423del)

Gene: PCLO (piccolo presynaptic cytomatrix protein; minus strand). Cytogenetic location: 7q21.11.
Variant type: Deletion.
Coding change: c.1259_1270del on transcript NM_033026.6 (MANE Select); coding-DNA positions 1259 to 1270, 12 bases deleted (CCCTAGCTCAAC).
Protein change: p.Pro420_Gln423del.
Molecular consequence: inframe deletion.
Genome position (GRCh38, 1-based): chr7:83,155,371-83,155,382, GTTGAGCTAGGG deleted on the plus strand (CCCTAGCTCAAC on the coding strand, the reverse complement: PCLO is on the minus strand); deleting any 12 consecutive bases within chr7:83,155,371-83,155,385 gives the same sequence; the c. name uses the placement nearest the transcript's 3' end. VCF-style (leftmost placement, unchanged base first): chr7-83155370-TGTTGAGCTAGGG-T. GRCh37 (hg19) VCF-style: chr7-82784686-TGTTGAGCTAGGG-T.
Other names: c.1259_1270del, p.Pro420_Gln423del (NM_014510.3).
Identifiers: ClinVar variation 2191933 (VCV002191933.3), dbSNP rs1562995849, ClinGen allele CA576266897.